The following is an entry in ClinVar:

NM_018191.4(RCBTB1):c.1445ATG[1] (p.Asp483del)

Gene: RCBTB1 (RCC1 and BTB domain containing protein 1; minus strand). Cytogenetic location: 13q14.2.
Variant type: Microsatellite.
Coding change: c.1445ATG[1] on transcript NM_018191.4 (MANE Select); one copy of the 3-base unit ATG starting at c.1445; the reference has two copies in a row; one copy, 3 bases deleted; also written c.1448_1450del.
Protein change: p.Asp483del; deletes aspartic acid 483.
Molecular consequence: inframe deletion. On other transcripts: non-coding transcript variant (2).
Genome position (GRCh38, 1-based): chr13:49,540,881-49,540,883, CAT deleted on the plus strand (ATG on the coding strand, the reverse complement: RCBTB1 is on the minus strand); deleting any 3 consecutive bases within chr13:49,540,881-49,540,886 gives the same sequence; the position shown is the placement nearest the transcript's 3' end. VCF-style (leftmost placement, unchanged base first): chr13-49540880-GCAT-G. GRCh37 (hg19) VCF-style: chr13-50115016-GCAT-G.
Other names: c.1445ATG[1], p.Asp483del (NM_001352500.2, NM_001352501.2, NM_001352502.2 and 2 more transcripts); c.866ATG[1], p.Asp290del (NM_001352506.2); c.1448_1450del (NM_018191.4); short protein forms D290del, D483del.
Identifiers: ClinVar variation 847795 (VCV000847795.7), dbSNP rs771851382, ClinGen allele CA6982577.

ClinVar aggregate classification (germline): Conflicting classifications of pathogenicity. Review status: criteria provided, conflicting classifications (1 of 4 stars). 3 submissions from 3 submitters: Uncertain significance (1); Likely benign (1). 1 of the submissions does not count toward it. Last evaluated 2024-06-11.

Conditions:
Retinal dystrophy. Also called: Inherited retinal dystrophy. Identifiers: Orphanet 71862, MedGen C0854723, MeSH D058499, MONDO:0019118, HP:0000556.

Submissions (3):

Blueprint Genetics
Classification: Likely benign. Last evaluated: 2024-06-11. Review status: criteria provided, single submitter. Criteria: ACMG Guidelines, 2015. Collection method: clinical testing. Allele origin: germline.

Labcorp Genetics (formerly Invitae), Labcorp
Classification: Uncertain significance. Last evaluated: 2024-01-19. Review status: criteria provided, single submitter. Criteria: Invitae Variant Classification Sherloc (09022015). Collection method: clinical testing. Allele origin: germline.
Comment: This variant, c.1448_1450del, results in the deletion of 1 amino acid(s) of the RCBTB1 protein (p.Asp483del), but otherwise preserves the integrity of the reading frame. This variant is present in population databases (rs771851382, gnomAD 0.1%). This variant has not been reported in the literature in individuals affected with RCBTB1-related conditions. ClinVar contains an entry for this variant (Variation ID: 847795). Experimental studies and prediction algorithms are not available or were not evaluated, and the functional significance of this variant is currently unknown. In summary, the available evidence is currently insufficient to determine the role of this variant in disease. Therefore, it has been classified as a Variant of Uncertain Significance.

Institute of Human Genetics, Univ. Regensburg, Univ. Regensburg
Classification: Uncertain significance for Retinal dystrophy. Last evaluated: 2018-01-01. Review status: no assertion criteria provided. Criteria: ACMG Guidelines, 2015. Collection method: clinical testing. Allele origin: germline. Affected: yes. Not counted in ClinVar's aggregate classification.